The following is an entry in ClinVar:

NM_014159.7(SETD2):c.3851A>T (p.His1284Leu)

Gene: SETD2 (SET domain containing 2, histone lysine methyltransferase; minus strand). Cytogenetic location: 3p21.31.
Variant type: single nucleotide variant.
Coding change: c.3851A>T on transcript NM_014159.7 (MANE Select); coding-DNA position 3851, A replaced by T.
Protein change: p.His1284Leu; replaces histidine 1284 with leucine.
Molecular consequence: missense variant. On other transcripts: non-coding transcript variant (1).
Genome position (GRCh38, 1-based): chr3:47,120,785, T>A on the plus strand (A>T on the coding strand, the complement: SETD2 is on the minus strand). VCF-style: chr3-47120785-T-A. GRCh37 (hg19) VCF-style: chr3-47162275-T-A.
Other names: p.His1284Leu; c.3719A>T, p.His1240Leu (NM_001349370.3); c.3851A>T (NM_014159.6); short protein forms H1240L, H1284L.
Identifiers: ClinVar variation 1057793 (VCV001057793.2), dbSNP rs976218064, ClinGen allele CA73808572.

ClinVar aggregate classification (germline): Uncertain significance. Review status: criteria provided, multiple submitters, no conflicts (2 of 4 stars). 2 submissions from 2 submitters: Uncertain significance (2). Last evaluated 2024-01-23.

Conditions:
Luscan-Lumish syndrome. Identifiers: Orphanet 597738, MedGen C4085873, MONDO:0014791, OMIM 616831.

Allele frequency attached by ClinVar (database versions not stated): gnomAD 0.00001; TOPMed 0.00002.
gnomAD v4.1: 3 of 1,614,116 alleles (0.00019%); highest among the groups gnomAD compares: Admixed American, 0.0033%; no homozygotes.

Submissions (2):

Mayo Clinic Laboratories, Mayo Clinic
Classification: Uncertain significance. Last evaluated: 2024-01-23. Review status: criteria provided, single submitter. Criteria: ACMG Guidelines, 2015. Collection method: clinical testing. Allele origin: germline. Observed: 2 variant alleles.

Labcorp Genetics (formerly Invitae), Labcorp
Classification: Uncertain significance for Luscan-Lumish syndrome. Last evaluated: 2020-09-16. Review status: criteria provided, single submitter. Criteria: Invitae Variant Classification Sherloc (09022015). Collection method: clinical testing. Allele origin: germline.
Comment: This sequence change replaces histidine with leucine at codon 1284 of the SETD2 protein (p.His1284Leu). The histidine residue is moderately conserved and there is a moderate physicochemical difference between histidine and leucine. This variant is not present in population databases (ExAC no frequency). This variant has not been reported in the literature in individuals with SETD2-related conditions. Algorithms developed to predict the effect of missense changes on protein structure and function (SIFT, PolyPhen-2, Align-GVGD) all suggest that this variant is likely to be tolerated, but these predictions have not been confirmed by published functional studies and their clinical significance is uncertain. In summary, the available evidence is currently insufficient to determine the role of this variant in disease. Therefore, it has been classified as a Variant of Uncertain Significance.